The following is an entry in ClinVar:

NM_000051.4(ATM):c.6411C>G (p.Asp2137Glu)

Genes: ATM (ATM serine/threonine kinase; plus strand), C11orf65 (chromosome 11 open reading frame 65; minus strand). Cytogenetic location: 11q22.3.
Variant type: single nucleotide variant.
Coding change: c.6411C>G on transcript NM_000051.4 (MANE Select); coding-DNA position 6411, C replaced by G.
Protein change: p.Asp2137Glu; replaces aspartic acid 2137 with glutamic acid.
Molecular consequence: missense variant. On other transcripts: intron variant (2).
Genome position (GRCh38, 1-based): chr11:108,320,017, C>G. VCF-style: chr11-108320017-C-G. GRCh37 (hg19) VCF-style: chr11-108190744-C-G.
Other names: c.6411C>G, p.Asp2137Glu (NM_001351834.2); c.641-10946G>C (NM_001330368.2); c.*39-10946G>C (NM_001351110.2); short protein forms D2137E.
Identifiers: ClinVar variation 233658 (VCV000233658.32), dbSNP rs780299607, ClinGen allele CA6265931.

ClinVar aggregate classification (germline): Uncertain significance. Review status: criteria provided, multiple submitters, no conflicts (2 of 4 stars). 7 submissions from 7 submitters: Uncertain significance (6). 1 of the submissions does not count toward it. Last evaluated 2025-01-29.

Conditions:
Hereditary cancer-predisposing syndrome. Also called: Neoplastic Syndromes, Hereditary; Hereditary neoplastic syndrome; Tumor predisposition; Hereditary Cancer Syndrome. Identifiers: Orphanet 140162, MedGen C0027672, MeSH D009386, MONDO:0015356.
Ataxia-telangiectasia syndrome (AT). Also called: Ataxia telangiectasia (A-T); Cerebello-oculocutaneous telangiectasia; Immunodeficiency with ataxia telangiectasia; LOUIS-BAR SYNDROME; AT, COMPLEMENTATION GROUP C; ATAXIA-TELANGIECTASIA, FRESNO VARIANT. Identifiers: Orphanet 100, MedGen C0004135, MONDO:0008840, OMIM 208900.

Allele frequency attached by ClinVar (database versions not stated): TOPMed below 0.00001; ExAC 0.00001; gnomAD exomes below 0.00001; gnomAD 0.00001.
gnomAD v4.1: 8 of 1,611,160 alleles (0.0005%); highest among the groups gnomAD compares: Non-Finnish European, 0.00068%; no homozygotes.

Submissions (7):

Labcorp Genetics (formerly Invitae), Labcorp
Classification: Uncertain significance for Ataxia-telangiectasia syndrome. Last evaluated: 2025-01-29. Review status: criteria provided, single submitter. Criteria: Invitae Variant Classification Sherloc (09022015). Collection method: clinical testing. Allele origin: germline.
Comment: This sequence change replaces aspartic acid, which is acidic and polar, with glutamic acid, which is acidic and polar, at codon 2137 of the ATM protein (p.Asp2137Glu). This variant is present in population databases (rs780299607, gnomAD 0.002%). This variant has not been reported in the literature in individuals affected with ATM-related conditions. ClinVar contains an entry for this variant (Variation ID: 233658). Invitae Evidence Modeling of protein sequence and biophysical properties (such as structural, functional, and spatial information, amino acid conservation, physicochemical variation, residue mobility, and thermodynamic stability) indicates that this missense variant is not expected to disrupt ATM protein function with a negative predictive value of 95%. In summary, the available evidence is currently insufficient to determine the role of this variant in disease. Therefore, it has been classified as a Variant of Uncertain Significance.

Ambry Genetics
Classification: Uncertain significance for Hereditary cancer-predisposing syndrome. Last evaluated: 2024-11-06. Review status: criteria provided, single submitter. Criteria: Ambry Variant Classification Scheme 2023. Collection method: clinical testing. Allele origin: germline.
Comment: The p.D2137E variant (also known as c.6411C>G), located in coding exon 43 of the ATM gene, results from a C to G substitution at nucleotide position 6411. The aspartic acid at codon 2137 is replaced by glutamic acid, an amino acid with highly similar properties. This amino acid position is well conserved in available vertebrate species. In addition, this alteration is predicted to be tolerated by in silico analysis. Based on the available evidence, the clinical significance of this variant remains unclear.

GeneDx
Classification: Uncertain significance. Last evaluated: 2023-08-09. Review status: criteria provided, single submitter. Criteria: GeneDx Variant Classification Process June 2021. Collection method: clinical testing. Allele origin: germline. Affected: yes.
Comment: Not observed at significant frequency in large population cohorts (gnomAD); In silico analysis supports that this missense variant does not alter protein structure/function; Has not been previously published as pathogenic or benign to our knowledge; This variant is associated with the following publications: (PMID: 23532176)

Color Diagnostics, LLC DBA Color Health
Classification: Uncertain significance for Hereditary cancer-predisposing syndrome. Last evaluated: 2023-07-25. Review status: criteria provided, single submitter. Criteria: ACMG Guidelines, 2015. Collection method: clinical testing. Allele origin: germline.
Comment: This missense variant replaces aspartic acid with glutamic acid at codon 2137 of the ATM protein. Computational prediction suggests that this variant may not impact protein structure and function (internally defined REVEL score threshold <= 0.5, PMID: 27666373). To our knowledge, functional studies have not been reported for this variant. This variant has not been reported in individuals affected with ATM-related disorders in the literature. This variant has been identified in 2/280996 chromosomes in the general population by the Genome Aggregation Database (gnomAD). The available evidence is insufficient to determine the role of this variant in disease conclusively. Therefore, this variant is classified as a Variant of Uncertain Significance.

Sema4
Classification: Uncertain significance for Hereditary cancer-predisposing syndrome. Last evaluated: 2021-04-20. Review status: criteria provided, single submitter. Criteria: Sema4 Curation Guidelines. Collection method: curation. Allele origin: germline.
Comment: The ATM c.6411C>G (p.D2137E) variant has not been reported in the literature to our knowledge. It was observed in 2/127488 chromosomes of the Non-Finnish European subpopulation in the large and broad cohorts of the Genome Aggregation Database (PMID: 32461654). The variant has been reported in ClinVar (Variation ID 233658). In silico tools suggest the impact of the variant on protein function is inconclusive, though these predictions have not been confirmed by functional studies. The evidence is insufficient to meet ACMG/AMP criteria for classifying the variant as benign or pathogenic. Thus, the clinical significance of this variant is currently uncertain.

Women's Health and Genetics/Laboratory Corporation of America, LabCorp
Classification: Uncertain significance. Last evaluated: 2017-03-16. Review status: criteria provided, single submitter. Criteria: LabCorp Variant Classification Summary - May 2015. Collection method: clinical testing. Allele origin: germline.
Comment: Variant summary: The ATM c.6411C>G (p.Asp2137Glu) variant involves the alteration of a non-conserved nucleotide. 2/4 in silico tools predict a damaging outcome for this variant (SNPs&GO and MutationTaster not captured due to low reliability index). This variant was found in 1/121172 control chromosomes at a frequency of 0.0000083, which does not exceed the estimated maximal expected allele frequency of a pathogenic ATM variant (0.0010005). One clinical diagnostic laboratory has classified this variant as uncertain significance. The variant of interest has not, to our knowledge, been reported in affected individuals via publications nor evaluated for functional impact by in vivo/vitro studies. Because of the absence of clinical information and the lack of functional studies, the variant is classified as a variant of uncertain significance (VUS) until additional information becomes available.

Natera, Inc.
Classification: Uncertain significance for Ataxia-telangiectasia. Last evaluated: 2020-10-21. Review status: no assertion criteria provided. Collection method: clinical testing. Allele origin: germline. Not counted in ClinVar's aggregate classification.